The following is an entry in ClinVar:

ClinVar aggregate classification (germline): Uncertain significance. Review status: criteria provided, multiple submitters, no conflicts (2 of 4 stars). 2 submissions from 2 submitters: Uncertain significance (2). Last evaluated 2024-10-19.

Conditions:
Inborn genetic diseases. Identifiers: MedGen C0950123, MeSH D030342.

Allele frequency attached by ClinVar (database versions not stated): gnomAD exomes 0.00001; ExAC 0.00002.
gnomAD v4.1: 9 of 1,614,064 alleles (0.00056%); highest among the groups gnomAD compares: South Asian, 0.0088%; no homozygotes.

Submissions (2):

Ambry Genetics
Classification: Uncertain significance for Inborn genetic diseases. Last evaluated: 2024-10-19. Review status: criteria provided, single submitter. Criteria: Ambry Variant Classification Scheme 2023. Collection method: clinical testing. Allele origin: germline.

Labcorp Genetics (formerly Invitae), Labcorp
Classification: Uncertain significance. Last evaluated: 2022-07-04. Review status: criteria provided, single submitter. Criteria: Invitae Variant Classification Sherloc (09022015). Collection method: clinical testing. Allele origin: germline.
Comment: This variant is present in population databases (rs765863709, gnomAD 0.01%). In summary, the available evidence is currently insufficient to determine the role of this variant in disease. Therefore, it has been classified as a Variant of Uncertain Significance. Advanced modeling of protein sequence and biophysical properties (such as structural, functional, and spatial information, amino acid conservation, physicochemical variation, residue mobility, and thermodynamic stability) performed at Invitae indicates that this missense variant is not expected to disrupt COL4A4 protein function. This variant has not been reported in the literature in individuals affected with COL4A4-related conditions. This sequence change replaces proline, which is neutral and non-polar, with arginine, which is basic and polar, at codon 862 of the COL4A4 protein (p.Pro862Arg).

NM_000092.5(COL4A4):c.2585C>G (p.Pro862Arg)

Gene: COL4A4 (collagen type IV alpha 4 chain; minus strand). Cytogenetic location: 2q36.3.
Variant type: single nucleotide variant.
Coding change: c.2585C>G on transcript NM_000092.5 (MANE Select); coding-DNA position 2585, C replaced by G.
Protein change: p.Pro862Arg; replaces proline 862 with arginine.
Molecular consequence: missense variant.
Genome position (GRCh38, 1-based): chr2:227,056,076, G>C on the plus strand (C>G on the coding strand, the complement: COL4A4 is on the minus strand). VCF-style: chr2-227056076-G-C. GRCh37 (hg19) VCF-style: chr2-227920792-G-C.
Other names: short protein forms P862R.
Identifiers: ClinVar variation 1968969 (VCV001968969.6), dbSNP rs765863709, ClinGen allele CA2144768.